The following is an entry in ClinVar:

NM_001378183.1(PIEZO2):c.5079dup (p.Asp1694fs)

Gene: PIEZO2 (piezo type mechanosensitive ion channel component 2; minus strand). Cytogenetic location: 18p11.22.
Variant type: Duplication.
Coding change: c.5079dup on transcript NM_001378183.1 (MANE Select); coding-DNA position 5079, one base duplicated (C; older notation c.5079dupC).
Protein change: p.Asp1694fs; shifts the reading frame from aspartic acid 1694.
Molecular consequence: frameshift variant.
Genome position (GRCh38, 1-based): chr18:10,718,210, G duplicated on the plus strand (C on the coding strand, the reverse complement: PIEZO2 is on the minus strand); the first of 2 consecutive G bases (chr18:10,718,210-10,718,211); duplicating either gives the same sequence. VCF-style (leftmost placement, unchanged base first): chr18-10718209-C-CG. GRCh37 (hg19) VCF-style: chr18-10718207-C-CG.
Other names: c.4905dup, p.Asp1636fs (NM_022068.4); short protein forms D1636fs, D1694fs.
Identifiers: ClinVar variation 1686064 (VCV001686064.3), dbSNP rs2143913299, ClinGen allele CA2573155117.

ClinVar aggregate classification (germline): Pathogenic/Likely pathogenic. Review status: criteria provided, multiple submitters, no conflicts (2 of 4 stars). 2 submissions from 2 submitters: Pathogenic (1); Likely pathogenic (1). Last evaluated 2025-06-25.

Conditions:
Arthrogryposis- oculomotor limitation-electroretinal anomalies syndrome. Also called: ARTHROGRYPOSIS, DISTAL, TYPE 5; ARTHROGRYPOSIS WITH OCULOMOTOR LIMITATION AND ELECTRORETINAL ABNORMALITIES; ARTHROGRYPOSIS, DISTAL, TYPE IIB. Identifiers: Orphanet 1154, MedGen C1862472, MONDO:0007158, OMIM 108145.

Submissions (2):

Dasa
Classification: Likely pathogenic. Last evaluated: 2025-06-25. Review status: criteria provided, single submitter. Criteria: DASA Assertion Criteria. Collection method: clinical testing. Allele origin: germline.
Comment: NM_001378183.1(PIEZO2):c.5079dup (p.Asp1694Argfs*5) is a frameshift variant in PIEZO2 predicted to alter the reading frame and introduce a premature termination codon and is predicted to result in an absent or altered protein product. Loss of function is an established disease mechanism for PIEZO2-associated disorders. Also, this variant is absent from population databases. Based on the currently available evidence, this variant is classified as likely pathogenic.

Mendelics
Classification: Pathogenic for Arthrogryposis- oculomotor limitation-electroretinal anomalies syndrome. Last evaluated: 2022-05-04. Review status: criteria provided, single submitter. Criteria: Mendelics Assertion Criteria 2019. Collection method: clinical testing. Allele origin: germline.